The following is an entry in ClinVar:

ClinVar aggregate classification (germline): Benign (1 of 4 stars; one submission).

Submission:

Mayo Clinic Laboratories, Mayo Clinic
Classification: Benign. Last evaluated: 2025-09-22. Review status: criteria provided, single submitter. Criteria: ACMG Guidelines, 2015. Collection method: clinical testing. Allele origin: germline. Observed: 2 variant alleles.
Comment: BA1, BP4, BP7

NM_018006.5(TRMU):c.355+34dup

Gene: TRMU (tRNA mitochondrial 2-thiouridylase; plus strand). Cytogenetic location: 22q13.31.
Variant type: Duplication.
Coding change: c.355+34dup on transcript NM_018006.5 (MANE Select); 34 bases into the intron after coding-DNA position 355, one base duplicated (T; older notation c.355+34dupT).
Molecular consequence: intron variant.
Genome position (GRCh38, 1-based): chr22:46,343,402, T duplicated; the last of 11 consecutive T bases (chr22:46,343,392-46,343,402); duplicating any one gives the same sequence. VCF-style (leftmost placement, unchanged base first): chr22-46343391-A-AT. GRCh37 (hg19) VCF-style: chr22-46739288-A-AT.
Other names: p.?; c.355+34dup (NM_001282785.2); c.14-3020dup (NM_001282782.2); c.-6-3020dup (NM_001282783.2, NM_001282784.2).
Identifiers: ClinVar variation 4684497 (VCV004684497.1).
Genomic context (GRCh38, chr22:46,343,391, plus strand): 5'-ATTTAGTTGCTTTTTTCATTATGCTGTGGATAATCTTGGTAAGTAATTTGGGTTTAAAAC[A>AT]TTTTTTTTTTTAAAGACAGGGTCTCGCTCTGTCACCCAGGCTGGATTGCAGTGGTGCGAT-3'